The following is an entry in ClinVar:

ClinVar aggregate classification (germline): Benign/Likely benign. Review status: criteria provided, multiple submitters, no conflicts (2 of 4 stars). 2 submissions from 2 submitters: Benign (1); Likely benign (1). Last evaluated 2026-08-28.

Conditions:
Oligodontia-cancer predisposition syndrome. Also called: TOOTH AGENESIS-COLORECTAL CANCER SYNDROME. Identifiers: Orphanet 300576, MedGen C1837750, MONDO:0012075, OMIM 608615. Disease mechanism: loss of function.
Hereditary cancer-predisposing syndrome. Also called: Tumor predisposition; Hereditary Cancer Syndrome; Hereditary neoplastic syndrome; Neoplastic Syndromes, Hereditary. Identifiers: Orphanet 140162, MedGen C0027672, MeSH D009386, MONDO:0015356.

Submissions (2):

Ambry Genetics
Classification: Likely benign for Hereditary cancer-predisposing syndrome. Last evaluated: 2026-08-28. Review status: criteria provided, single submitter. Criteria: Ambry Variant Classification Scheme 2023. Collection method: clinical testing. Allele origin: germline.

Myriad Genetics, Inc.
Classification: Benign for Oligodontia-cancer predisposition syndrome. Last evaluated: 2024-07-10. Review status: criteria provided, single submitter. Criteria: Myriad Autosomal Dominant, Autosomal Recessive and X-Linked Classification Criteria (2023). Collection method: clinical testing. Allele origin: unknown.
Comment: This variant is considered benign. This variant is a silent/synonymous amino acid change and it is not expected to impact splicing.

NM_004655.4(AXIN2):c.2289G>A (p.Glu763=)

Gene: AXIN2 (axin 2; minus strand). Cytogenetic location: 17q24.1.
Variant type: single nucleotide variant.
Coding change: c.2289G>A on transcript NM_004655.4 (MANE Select); coding-DNA position 2289, G replaced by A.
Protein change: p.Glu763=; no amino-acid change (glutamic acid 763 retained).
Molecular consequence: synonymous variant.
Genome position (GRCh38, 1-based): chr17:65,534,028, C>T on the plus strand (G>A on the coding strand, the complement: AXIN2 is on the minus strand). VCF-style: chr17-65534028-C-T. GRCh37 (hg19) VCF-style: chr17-63530146-C-T.
Other names: c.2094G>A, p.Glu698= (NM_001363813.1).
Identifiers: ClinVar variation 3379217 (VCV003379217.2).